The following is an entry in ClinVar:

NM_021930.6(RINT1):c.1107+2dup

Gene: RINT1 (RAD50 interactor 1; plus strand). Cytogenetic location: 7q22.3.
Variant type: Duplication.
Coding change: c.1107+2dup on transcript NM_021930.6 (MANE Select); the canonical splice donor site of the intron after coding-DNA position 1107, one base duplicated (T; older notation c.1107+2dupT).
Molecular consequence: splice donor variant.
Genome position (GRCh38, 1-based): chr7:105,550,167, T duplicated. VCF-style (leftmost placement, unchanged base first): chr7-105550166-G-GT. GRCh37 (hg19) VCF-style: chr7-105190613-G-GT.
Other names: c.84+2dup (NM_001346600.2, NM_001346603.2); c.183+2dup (NM_001346601.2); c.873+2dup (NM_001346599.2).
Identifiers: ClinVar variation 1793822 (VCV001793822.2), dbSNP rs552183486, ClinGen allele CA164057416.

ClinVar aggregate classification (germline): Uncertain significance (1 of 4 stars; one submission).

Allele frequency attached by ClinVar (database versions not stated): TOPMed below 0.00001; gnomAD exomes 0.00001; gnomAD 0.00002.

Submission:

Ambry Genetics
Classification: Uncertain significance. Last evaluated: 2024-01-26. Review status: criteria provided, single submitter. Criteria: Ambry Variant Classification Scheme 2023. Collection method: clinical testing. Allele origin: germline.
Comment: The c.1107+2dupT intronic variant, results from a duplication of two nucleotides at nucleotide position 1107 after intron 8 of the RINT1 gene. This nucleotide position is highly conserved in available vertebrate species. In silico splice site analysis predicts that this alteration will weaken the native splice donor site and may result in the creation or strengthening of a novel splice donor site. Alterations that disrupt the canonical splice site are expected to cause aberrant splicing, resulting in an abnormal protein or a transcript that is subject to nonsense-mediated mRNA decay. The evidence for this gene-disease relationship is limited; therefore, the clinical significance of this alteration is unclear.